The following is an entry in ClinVar:

ClinVar aggregate classification (germline): Pathogenic. Review status: criteria provided, multiple submitters, no conflicts (2 of 4 stars). 4 submissions from 4 submitters: Pathogenic (4). Last evaluated 2026-10-16.

Conditions:
Merosin deficient congenital muscular dystrophy (MDC1A). Also called: Congenital merosin-deficient muscular dystrophy 1A; Congenital Muscular Dystrophy Type 1A (MDC1A). Identifiers: Orphanet 258, MedGen C1263858, MONDO:0011925, OMIM 607855.
LAMA2-related muscular dystrophy (LAMA2-RD). Also called: Laminin alpha 2-related dystrophy. Identifiers: MedGen C5679788, MONDO:0100228.

Submissions (4):

GeneDx
Classification: Pathogenic. Last evaluated: 2026-10-16. Review status: criteria provided, single submitter. Criteria: GeneDx Variant Classification Process June 2021. Collection method: clinical testing. Allele origin: germline.
Comment: Observed with a nonsense variant in an individual with congenital hypotonia and peripheral demyelinating neuropathy, however it is not known whether the variants occurred on the same (in cis) or on different (in trans) chromosomes (PMID: 27447704); Frameshift variant predicted to result in protein truncation or nonsense mediated decay in a gene for which loss of function is a known mechanism of disease; Not observed at significant frequency in large population cohorts (gnomAD); This variant is associated with the following publications: (PMID: 27447704)

Baylor Genetics
Classification: Pathogenic for Merosin deficient congenital muscular dystrophy. Last evaluated: 2023-12-03. Review status: criteria provided, single submitter. Criteria: ACMG Guidelines, 2015. Collection method: clinical testing. Allele origin: unknown.

Labcorp Genetics (formerly Invitae), Labcorp
Classification: Pathogenic for LAMA2-related muscular dystrophy. Last evaluated: 2021-08-19. Review status: criteria provided, single submitter. Criteria: Invitae Variant Classification Sherloc (09022015). Collection method: clinical testing. Allele origin: germline.
Comment: This variant is not present in population databases (ExAC no frequency). This sequence change creates a premature translational stop signal (p.Leu2427Valfs*17) in the LAMA2 gene. It is expected to result in an absent or disrupted protein product. Loss-of-function variants in LAMA2 are known to be pathogenic (PMID: 18700894). This premature translational stop signal has been observed in individuals with autosomal recessive congenital muscular dystrophy (PMID: 27447704; Invitae). For these reasons, this variant has been classified as Pathogenic.

Eurofins Ntd Llc (ga)
Classification: Pathogenic. Last evaluated: 2013-11-08. Review status: criteria provided, single submitter. Criteria: EGL Classification Definitions. Collection method: clinical testing. Allele origin: germline. Observed: 1 variant allele, 1 heterozygote.

Literature cited by the submitters: PubMed 18700894 (cited by Labcorp Genetics (formerly Invitae), Labcorp); PubMed 27447704 (cited by Labcorp Genetics (formerly Invitae), Labcorp).

NM_000426.4(LAMA2):c.7279_7280del (p.Leu2427fs)

Gene: LAMA2 (laminin subunit alpha 2; plus strand). Cytogenetic location: 6q22.33.
Variant type: Microsatellite.
Coding change: c.7279_7280del on transcript NM_000426.4 (MANE Select); coding-DNA positions 7279 to 7280, 2 bases deleted (CT; older notation c.7279_7280delCT).
Protein change: p.Leu2427fs; shifts the reading frame from leucine 2427.
Molecular consequence: frameshift variant.
Genome position (GRCh38, 1-based): chr6:129,465,268-129,465,269, CT deleted; deleting any 2 consecutive bases within chr6:129,465,266-129,465,269 gives the same sequence; the c. name uses the placement nearest the transcript's 3' end. VCF-style (leftmost placement, unchanged base first): chr6-129465265-ACT-A. GRCh37 (hg19) VCF-style: chr6-129786410-ACT-A.
Other names: c.7279_7280delCT (NM_000426.3); c.7279_7280del, p.Leu2427fs (NM_001079823.2); short protein forms L2427fs.
Identifiers: ClinVar variation 92983 (VCV000092983.18), dbSNP rs398123385, ClinGen allele CA220801.